The following is an entry in ClinVar:

NM_001039591.3(USP9X):c.3699G>A (p.Met1233Ile)

Gene: USP9X (ubiquitin specific peptidase 9 X-linked; plus strand). Cytogenetic location: Xp11.4.
Variant type: single nucleotide variant.
Coding change: c.3699G>A on transcript NM_001039591.3 (MANE Select); coding-DNA position 3699, G replaced by A.
Protein change: p.Met1233Ile; replaces methionine 1233 with isoleucine.
Molecular consequence: missense variant.
Genome position (GRCh38, 1-based): chrX:41,188,006, G>A. VCF-style: chrX-41188006-G-A. GRCh37 (hg19) VCF-style: chrX-41047259-G-A.
Other names: c.3699G>A, p.Met1233Ile (NM_001039590.3); c.3714G>A, p.Met1238Ile (NM_001410748.1, NM_001410749.1); short protein forms M1233I, M1238I.
Identifiers: ClinVar variation 2662718 (VCV002662718.1), dbSNP rs2519279681, ClinGen allele CA412768506.

ClinVar aggregate classification (germline): Uncertain significance (1 of 4 stars; one submission).

Submission:

GeneDx
Classification: Uncertain significance. Last evaluated: 2023-04-19. Review status: criteria provided, single submitter. Criteria: GeneDx Variant Classification Process June 2021. Collection method: clinical testing. Allele origin: germline. Affected: yes.
Comment: Not observed at significant frequency in large population cohorts (gnomAD); In silico analysis supports that this missense variant does not alter protein structure/function; Has not been previously published as pathogenic or benign to our knowledge